The following is an entry in ClinVar:

ClinVar aggregate classification (germline): Uncertain significance. Review status: criteria provided, multiple submitters, no conflicts (2 of 4 stars). 2 submissions from 2 submitters: Uncertain significance (2). Last evaluated 2026-01-21.

Conditions:
Cardiovascular phenotype. Identifiers: MedGen CN230736.
Dilated cardiomyopathy 1W (CMD1W). Identifiers: Orphanet 154, MedGen C1969639, MONDO:0012667, OMIM 611407.

gnomAD v4.1: 3 of 1,613,998 alleles (0.00019%); highest among the groups gnomAD compares: Non-Finnish European, 0.00025%; no homozygotes.

Submissions (2):

Labcorp Genetics (formerly Invitae), Labcorp
Classification: Uncertain significance for Dilated cardiomyopathy 1W. Last evaluated: 2026-01-21. Review status: criteria provided, single submitter. Criteria: Invitae Variant Classification Sherloc (09022015). Collection method: clinical testing. Allele origin: germline.
Comment: This sequence change replaces proline, which is neutral and non-polar, with glutamine, which is neutral and polar, at codon 347 of the VCL protein (p.Pro347Gln). This variant is not present in population databases (gnomAD no frequency). This variant has not been reported in the literature in individuals affected with VCL-related conditions. ClinVar contains an entry for this variant (Variation ID: 1773936). An algorithm developed to predict the effect of missense changes on protein structure and function (PolyPhen-2) suggests that this variant is likely to be disruptive. In summary, the available evidence is currently insufficient to determine the role of this variant in disease. Therefore, it has been classified as a Variant of Uncertain Significance.

Ambry Genetics
Classification: Uncertain significance for Cardiovascular phenotype. Last evaluated: 2024-03-13. Review status: criteria provided, single submitter. Criteria: Ambry Variant Classification Scheme 2023. Collection method: clinical testing. Allele origin: germline.
Comment: The p.P347Q variant (also known as c.1040C>A), located in coding exon 9 of the VCL gene, results from a C to A substitution at nucleotide position 1040. The proline at codon 347 is replaced by glutamine, an amino acid with similar properties. This amino acid position is well conserved in available vertebrate species. In addition, the in silico prediction for this alteration is inconclusive. Since supporting evidence is limited at this time, the clinical significance of this alteration remains unclear.

NM_014000.3(VCL):c.1040C>A (p.Pro347Gln)

Gene: VCL (vinculin; plus strand). Cytogenetic location: 10q22.2.
Variant type: single nucleotide variant.
Coding change: c.1040C>A on transcript NM_014000.3 (MANE Select); coding-DNA position 1040, C replaced by A.
Protein change: p.Pro347Gln; replaces proline 347 with glutamine.
Molecular consequence: missense variant.
Genome position (GRCh38, 1-based): chr10:74,089,213, C>A. VCF-style: chr10-74089213-C-A. GRCh37 (hg19) VCF-style: chr10-75848971-C-A.
Other names: c.1040C>A, p.Pro347Gln (NM_003373.4); short protein forms P347Q.
Identifiers: ClinVar variation 1773936 (VCV001773936.4), dbSNP rs148619523, ClinGen allele CA377272256.